The following is an entry in ClinVar:

NM_001123385.2(BCOR):c.1880A>G (p.Lys627Arg)

Gene: BCOR (BCL6 corepressor; minus strand). Cytogenetic location: Xp11.4.
Variant type: single nucleotide variant.
Coding change: c.1880A>G on transcript NM_001123385.2 (MANE Select); coding-DNA position 1880, A replaced by G.
Protein change: p.Lys627Arg; replaces lysine 627 with arginine.
Molecular consequence: missense variant.
Genome position (GRCh38, 1-based): chrX:40,073,466, T>C on the plus strand (A>G on the coding strand, the complement: BCOR is on the minus strand). VCF-style: chrX-40073466-T-C. GRCh37 (hg19) VCF-style: chrX-39932719-T-C.
Other names: c.1880A>G, p.Lys627Arg (NM_001123383.2, NM_001123384.2, NM_017745.6); short protein forms K627R.
Identifiers: ClinVar variation 387015 (VCV000387015.2), dbSNP rs1057522664, ClinGen allele CA16608862.
Genomic context (GRCh38, chrX:40,073,466, plus strand): 5'-CTGAATGCCTCATTTGGAGACAGAAATATAGAGCTTGGTGGAAGGCCGTTCTCGTTTGCT[T>C]TGAAACTCGGTTCTGGGTTGCTGGCTTTGGCGCCCTTGCTGCTGGTGCTGCTACTGTGCT-3'
Protein context (NP_001116857.1, residues 617-637): AKASNPEPSF[Lys627Arg]ANENGLPPSS

ClinVar aggregate classification (germline): Uncertain significance (1 of 4 stars; one submission).

Allele frequency attached by ClinVar (database versions not stated): gnomAD exomes 0.00001 and below 0.00001.
gnomAD v4.1: 6 of 1,212,467 alleles (0.00049%); highest among the groups gnomAD compares: South Asian, 0.007%; no homozygotes.

Submission:

GeneDx
Classification: Uncertain significance. Last evaluated: 2016-06-10. Review status: criteria provided, single submitter. Criteria: GeneDx Variant Classification (06012015). Collection method: clinical testing. Allele origin: germline. Affected: yes.
Comment: The K627R variant in the BCOR gene has not been reported previously as a pathogenic variant, nor as a benign variant, to our knowledge. The K627R variant was not observed in approximately 6,500 individuals of European and African American ancestry in the NHLBI Exome Sequencing Project, indicating it is not a common benign variant in these populations. The K627R variant is a conservative amino acid substitution, which is not likely to impact secondary protein structure as these residues share similar properties. This substitution occurs at a position that is conserved across species. In silico analysis is inconsistent in its predictions as to whether or not the variant is damaging to the protein structure/function. We interpret K627R as a variant of uncertain significance.